The following is an entry in ClinVar:

NM_018834.6(MATR3):c.827G>A (p.Ser276Asn)

Gene: MATR3 (matrin 3; plus strand). Cytogenetic location: 5q31.2.
Variant type: single nucleotide variant.
Coding change: c.827G>A on transcript NM_018834.6 (MANE Select); coding-DNA position 827, G replaced by A.
Protein change: p.Ser276Asn; replaces serine 276 with asparagine.
Molecular consequence: missense variant. On other transcripts: intron variant (2).
Genome position (GRCh38, 1-based): chr5:139,308,242, G>A. VCF-style: chr5-139308242-G-A. GRCh37 (hg19) VCF-style: chr5-138643931-G-A.
Other names: c.827G>A, p.Ser276Asn (NM_001194954.2, NM_001194955.2, NM_199189.3); c.-102-6433G>A (NM_001282278.2); c.49-6433G>A (NM_001194956.2); short protein forms S276N.
Identifiers: ClinVar variation 1443765 (VCV001443765.6), dbSNP rs762374587, ClinGen allele CA3432950.

ClinVar aggregate classification (germline): Uncertain significance (1 of 4 stars; one submission).

Conditions:
Amyotrophic lateral sclerosis type 21. Also called: VOCAL CORD AND PHARYNGEAL DYSFUNCTION WITH DISTAL MYOPATHY; MYOPATHY, DISTAL, 2. Identifiers: Orphanet 600, Orphanet 803, MedGen C3807521, MONDO:0011632, OMIM 606070.

Allele frequency attached by ClinVar (database versions not stated): ExAC 0.00001; gnomAD exomes 0.00001.
gnomAD v4.1: 3 of 1,614,100 alleles (0.00019%); highest among the groups gnomAD compares: Non-Finnish European, 0.00025%; no homozygotes.

Submission:

Labcorp Genetics (formerly Invitae), Labcorp
Classification: Uncertain significance for Amyotrophic lateral sclerosis type 21. Last evaluated: 2025-03-05. Review status: criteria provided, single submitter. Criteria: Invitae Variant Classification Sherloc (09022015). Collection method: clinical testing. Allele origin: germline.
Comment: This sequence change replaces serine, which is neutral and polar, with asparagine, which is neutral and polar, at codon 276 of the MATR3 protein (p.Ser276Asn). This variant is present in population databases (rs762374587, gnomAD 0.002%). This variant has not been reported in the literature in individuals affected with MATR3-related conditions. ClinVar contains an entry for this variant (Variation ID: 1443765). Invitae Evidence Modeling of protein sequence and biophysical properties (such as structural, functional, and spatial information, amino acid conservation, physicochemical variation, residue mobility, and thermodynamic stability) indicates that this missense variant is not expected to disrupt MATR3 protein function with a negative predictive value of 80%. In summary, the available evidence is currently insufficient to determine the role of this variant in disease. Therefore, it has been classified as a Variant of Uncertain Significance.